The following is an entry in ClinVar:

NM_014714.4(IFT140):c.2480T>C (p.Met827Thr)

Gene: IFT140 (intraflagellar transport 140; minus strand). Cytogenetic location: 16p13.3.
Variant type: single nucleotide variant.
Coding change: c.2480T>C on transcript NM_014714.4 (MANE Select); coding-DNA position 2480, T replaced by C.
Protein change: p.Met827Thr; replaces methionine 827 with threonine.
Molecular consequence: missense variant.
Genome position (GRCh38, 1-based): chr16:1,526,716, A>G on the plus strand (T>C on the coding strand, the complement: IFT140 is on the minus strand). VCF-style: chr16-1526716-A-G. GRCh37 (hg19) VCF-style: chr16-1576717-A-G.
Other names: short protein forms M827T.
Identifiers: ClinVar variation 2004295 (VCV002004295.4), dbSNP rs2506136103, ClinGen allele CA394228298.

ClinVar aggregate classification (germline): Uncertain significance (1 of 4 stars; one submission).

Conditions:
Saldino-Mainzer syndrome (SRTD9). Also called: CONORENAL SYNDROME; Renal dysplasia, retinal pigmentary dystrophy, cerebellar ataxia and skeletal dysplasia; SHORT-RIB THORACIC DYSPLASIA 9 WITHOUT POLYDACTYLY; short-rib thoracic dysplasia 9 with or without polydactyly. Identifiers: Orphanet 140969, MedGen C1849437, MONDO:0009964, OMIM 266920.

Submission:

Labcorp Genetics (formerly Invitae), Labcorp
Classification: Uncertain significance for Saldino-Mainzer syndrome. Last evaluated: 2022-06-10. Review status: criteria provided, single submitter. Criteria: Invitae Variant Classification Sherloc (09022015). Collection method: clinical testing. Allele origin: germline.
Comment: In summary, the available evidence is currently insufficient to determine the role of this variant in disease. Therefore, it has been classified as a Variant of Uncertain Significance. Algorithms developed to predict the effect of missense changes on protein structure and function are either unavailable or do not agree on the potential impact of this missense change (SIFT: "Deleterious"; PolyPhen-2: "Possibly Damaging"; Align-GVGD: "Class C0"). This variant has not been reported in the literature in individuals affected with IFT140-related conditions. This variant is not present in population databases (gnomAD no frequency). This sequence change replaces methionine, which is neutral and non-polar, with threonine, which is neutral and polar, at codon 827 of the IFT140 protein (p.Met827Thr).